The following is an entry in ClinVar:

NC_012920.1(MT-CO3):m.9327A>C

Gene: MT-CO3 (mitochondrially encoded cytochrome c oxidase III; plus strand).
Variant type: single nucleotide variant.
Genome position: chrM-9327-A-C.
Identifiers: ClinVar variation 693149 (VCV000693149.1), dbSNP rs1603222247, ClinGen allele CA414802701.
Genomic context (GRCh38, chrMT:9,327, plus strand): 5'-GCCCTCTCAGCCCTCCTAATGACCTCCGGCCTAGCCATGTGATTTCACTTCCACTCCATA[A>C]CGCTCCTCATACTAGGCCTACTAACCAACACACTAACCATATACCAATGATGGCGCGATG-3'

ClinVar aggregate classification (germline): Uncertain significance (1 of 4 stars; one submission).

Conditions:
Leigh syndrome (NULS). Also called: Leigh's necrotizing encephalopathy; Leigh's disease; Leigh Syndrome (mtDNA deletion); Leigh Disease; Subacute necrotizing encephalopathy; Necrotizing encephalopathy infantile subacute of Leigh. Identifiers: Orphanet 506, MedGen C2931891, MONDO:0009723, OMIM 256000.

Submission:

Wong Mito Lab, Molecular and Human Genetics, Baylor College of Medicine
Classification: Uncertain significance for Leigh syndrome. Last evaluated: 2019-10-17. Review status: criteria provided, single submitter. Criteria: Modified ACMG Guidelines (Unpublished). Collection method: clinical testing. Allele origin: germline.
Comment: The NC_012920.1:m.9327A>C (YP_003024032.1:p.Thr41Pro) variant in MTCO3 gene is interpretated to be a Uncertain Significance variant based on the modified ACMG guidelines (unpublished). This variant meets the following evidence codes: PP6, PP7, BP4